The following is an entry in ClinVar:

NM_001367561.1(DOCK7):c.4574A>C (p.Gln1525Pro)

Gene: DOCK7 (dedicator of cytokinesis 7; minus strand). Cytogenetic location: 1p31.3.
Variant type: single nucleotide variant.
Coding change: c.4574A>C on transcript NM_001367561.1 (MANE Select); coding-DNA position 4574, A replaced by C.
Protein change: p.Gln1525Pro; replaces glutamine 1525 with proline.
Molecular consequence: missense variant.
Genome position (GRCh38, 1-based): chr1:62,505,719, T>G on the plus strand (A>C on the coding strand, the complement: DOCK7 is on the minus strand). VCF-style: chr1-62505719-T-G. GRCh37 (hg19) VCF-style: chr1-62971390-T-G.
Other names: c.4547A>C, p.Gln1516Pro (NM_001271999.2, NM_001330614.2); c.4454A>C, p.Gln1485Pro (NM_001272000.2, NM_001272001.2); c.4481A>C, p.Gln1494Pro (NM_033407.4); short protein forms Q1525P, Q1494P, Q1485P, Q1516P.
Identifiers: ClinVar variation 1928809 (VCV001928809.5), dbSNP rs1646917760, ClinGen allele CA340619331.

ClinVar aggregate classification (germline): Uncertain significance (1 of 4 stars; one submission).

Conditions:
Developmental and epileptic encephalopathy, 23 (DEE23). Also called: Epileptic encephalopathy, early infantile, 23. Identifiers: Orphanet 411986, MedGen C4014492, MONDO:0014371, OMIM 615859.

Allele frequency attached by ClinVar (database versions not stated): gnomAD exomes below 0.00001; TOPMed below 0.00001.
gnomAD v4.1: 1 of 1,613,500 alleles (0.000062%); highest among the groups gnomAD compares: Admixed American, 0.0017%; no homozygotes.

Submission:

Labcorp Genetics (formerly Invitae), Labcorp
Classification: Uncertain significance for Developmental and epileptic encephalopathy, 23. Last evaluated: 2022-03-28. Review status: criteria provided, single submitter. Criteria: Invitae Variant Classification Sherloc (09022015). Collection method: clinical testing. Allele origin: germline.
Comment: Algorithms developed to predict the effect of missense changes on protein structure and function are either unavailable or do not agree on the potential impact of this missense change (SIFT: "Deleterious"; PolyPhen-2: "Benign"; Align-GVGD: "Class C25"). This variant has not been reported in the literature in individuals affected with DOCK7-related conditions. This variant is not present in population databases (gnomAD no frequency). This sequence change replaces glutamine, which is neutral and polar, with proline, which is neutral and non-polar, at codon 1516 of the DOCK7 protein (p.Gln1516Pro). In summary, the available evidence is currently insufficient to determine the role of this variant in disease. Therefore, it has been classified as a Variant of Uncertain Significance.